The following is an entry in ClinVar:

NM_001083962.2(TCF4):c.1144_1145insC (p.Leu382fs)

Gene: TCF4 (transcription factor 4; minus strand). Cytogenetic location: 18q21.2.
Variant type: Insertion.
Coding change: c.1144_1145insC on transcript NM_001083962.2 (MANE Select); coding-DNA positions 1144 to 1145, C inserted.
Protein change: p.Leu382fs; shifts the reading frame from leucine 382.
Molecular consequence: frameshift variant.
Genome position: GRCh38 VCF-style: chr18-55257316-A-AG. GRCh37 (hg19) VCF-style: chr18-52924547-A-AG.
Other names: NM_001243230.2:c.1135_1136insC; c.1450_1451insC, p.Leu484fs (NM_001243226.3); c.1072_1073insC, p.Leu358fs (NM_001243227.2, NM_001306207.1, NM_001369575.1 and 5 more transcripts); c.1162_1163insC, p.Leu388fs (NM_001243228.2); c.1135_1136insC, p.Leu379fs (NM_001243230.2); c.1018_1019insC, p.Leu340fs (NM_001243231.2, NM_001348211.2); c.931_932insC, p.Leu311fs (NM_001243232.1, NM_001306208.1); c.754_755insC, p.Leu252fs (NM_001243233.2, NM_001330605.3, NM_001348212.2 and 1 more transcripts); and 7 more; short protein forms L311fs, L340fs, L379fs, L166fs, L358fs, L359fs, L484fs, L221fs.
Identifiers: ClinVar variation 2412761 (VCV002412761.1), dbSNP rs2512178673, ClinGen allele CA2573332505.
Genomic context (GRCh38, chr18:55,257,316, plus strand): 5'-GAACAAGAAAGAACATGACCTGAAAATGGGTGGGACAGAGATTAGCAAATGAGACATACC[A>AG]AAGAGTGTAAGGGTCCTTCATAATTAGGAGACGATGAGGCCTGTCCTCCATTTCTAGACC-3'

ClinVar aggregate classification (germline): Pathogenic (1 of 4 stars; one submission).

Conditions:
Pitt-Hopkins syndrome (PTHS). Also called: ENCEPHALOPATHY, SEVERE EPILEPTIC, WITH AUTONOMIC DYSFUNCTION; MENTAL RETARDATION, SYNDROMAL, WITH INTERMITTENT HYPERVENTILATION. Identifiers: Orphanet 2896, MedGen C1970431, MONDO:0012589, OMIM 610954.

Submission:

Broad Center for Mendelian Genomics, Broad Institute of MIT and Harvard
Classification: Pathogenic for Pitt-Hopkins syndrome. Last evaluated: 2023-01-25. Review status: criteria provided, single submitter. Criteria: ACMG Guidelines, 2015. Collection method: curation. Allele origin: germline. Inheritance: Autosomal dominant inheritance.
Comment: Trio exome analysis showed this variant to be de novo. The p.Met382ThrfsTer7 variant in TCF4 has not been previously reported in individuals with Pitt-Hopkins syndrome. This variant was absent from large population studies. This variant is predicted to cause a frameshift, which alters the protein‚Äôs amino acid sequence beginning at position 382 and leads to a premature termination codon 7 amino acids downstream. This alteration is then predicted to lead to a truncated or absent protein. Heterozygous loss of function of the TCF4 gene is an established disease mechanism in autosomal dominant Pitt-Hopkins syndrome. In summary, this variant meets criteria to be classified as pathogenic for Pitt-Hopkins syndrome. ACMG/AMP Criteria applied: PVS1, PS2_Supporting, PM2_Supporting (Richards 2015).